The following is an entry in ClinVar:

NM_001711.6(BGN):c.155C>T (p.Pro52Leu)

Gene: BGN (biglycan; plus strand). Cytogenetic location: Xq28.
Variant type: single nucleotide variant.
Coding change: c.155C>T on transcript NM_001711.6 (MANE Select); coding-DNA position 155, C replaced by T.
Protein change: p.Pro52Leu; replaces proline 52 with leucine.
Molecular consequence: missense variant.
Genome position (GRCh38, 1-based): chrX:153,504,786, C>T. VCF-style: chrX-153504786-C-T. GRCh37 (hg19) VCF-style: chrX-152770244-C-T.
Other names: short protein forms P52L.
Identifiers: ClinVar variation 4699107 (VCV004699107.1).

ClinVar aggregate classification (germline): Uncertain significance (1 of 4 stars; one submission).

Submission:

Labcorp Genetics (formerly Invitae), Labcorp
Classification: Uncertain significance. Last evaluated: 2025-04-13. Review status: criteria provided, single submitter. Criteria: Invitae Variant Classification Sherloc (09022015). Collection method: clinical testing. Allele origin: germline.
Comment: This sequence change replaces proline, which is neutral and non-polar, with leucine, which is neutral and non-polar, at codon 52 of the BGN protein (p.Pro52Leu). This variant is present in population databases (rs782328237, gnomAD 0.02%). This variant has not been reported in the literature in individuals affected with BGN-related conditions. An algorithm developed to predict the effect of missense changes on protein structure and function outputs the following: PolyPhen-2: "Benign". The leucine amino acid residue is found in multiple mammalian species, which suggests that this missense change does not adversely affect protein function. In summary, the available evidence is currently insufficient to determine the role of this variant in disease. Therefore, it has been classified as a Variant of Uncertain Significance.